The following is an entry in ClinVar:

ClinVar aggregate classification (germline): Benign/Likely benign. Review status: criteria provided, multiple submitters, no conflicts (2 of 4 stars). 4 submissions from 4 submitters: Benign (1); Likely benign (3). Last evaluated 2025-12-30.

Conditions:
Cardioencephalomyopathy, fatal infantile, due to cytochrome c oxidase deficiency 4 (MC4DN13). Also called: MITOCHONDRIAL COMPLEX IV DEFICIENCY, NUCLEAR TYPE 13. Identifiers: Orphanet 1561, MedGen C4225304, MONDO:0014668, OMIM 616501.

Allele frequency attached by ClinVar (database versions not stated): gnomAD exomes 0.00127; ExAC 0.00179; gnomAD 0.00459 and 0.00491; TOPMed 0.00518; 1000 Genomes Project 0.00559; ESP Exome Variant Server 0.00569; 1000 Genomes Project 30x 0.00656.
gnomAD v4.1: 1,536 of 1,613,214 alleles (0.095%); highest among the groups gnomAD compares: African/African-American, 1.7%; 18 homozygotes.

Submissions (24):

Labcorp Genetics (formerly Invitae), Labcorp
Classification: Benign. Last evaluated: 2025-12-30. Review status: criteria provided, single submitter. Criteria: Invitae Variant Classification Sherloc (09022015). Collection method: clinical testing. Allele origin: germline.

Fulgent Genetics
Classification: Likely benign for Cardioencephalomyopathy, fatal infantile, due to cytochrome c oxidase deficiency 4. Last evaluated: 2022-05-17. Review status: criteria provided, single submitter. Criteria: ACMG Guidelines, 2015. Collection method: clinical testing. Allele origin: unknown.

GeneDx
Classification: Likely benign. Last evaluated: 2018-02-07. Review status: criteria provided, single submitter. Criteria: GeneDx Variant Classification (06012015). Collection method: clinical testing. Allele origin: germline. Affected: yes.
Comment: This variant is considered likely benign or benign based on one or more of the following criteria: it is a conservative change, it occurs at a poorly conserved position in the protein, it is predicted to be benign by multiple in silico algorithms, and/or has population frequency not consistent with disease.

Breakthrough Genomics
Classification: Likely benign. Review status: criteria provided, single submitter. Criteria: ACMG Guidelines, 2015. Collection method: not provided. Allele origin: germline. Inheritance: Autosomal recessive inheritance. Affected: yes.

Dr. Peter K. Rogan Lab, Western University
No classification provided (evidence only). Condition: Clear cell carcinoma of kidney. Review status: no classification provided. Collection method: in vitro. Allele origin: not applicable. Functional consequence: retained intron. Not counted in ClinVar's aggregate classification.

Dr. Peter K. Rogan Lab, Western University
No classification provided (evidence only). Condition: Clear cell carcinoma of kidney. Review status: no classification provided. Collection method: in vitro. Allele origin: not applicable. Functional consequence: retained intron. Not counted in ClinVar's aggregate classification.

Dr. Peter K. Rogan Lab, Western University
No classification provided (evidence only). Condition: Clear cell carcinoma of kidney. Review status: no classification provided. Collection method: in vitro. Allele origin: not applicable. Functional consequence: retained intron. Not counted in ClinVar's aggregate classification.

Dr. Peter K. Rogan Lab, Western University
No classification provided (evidence only). Condition: Clear cell carcinoma of kidney. Review status: no classification provided. Collection method: in vitro. Allele origin: not applicable. Functional consequence: retained intron. Not counted in ClinVar's aggregate classification.

Dr. Peter K. Rogan Lab, Western University
No classification provided (evidence only). Condition: Acute myeloid leukemia. Review status: no classification provided. Collection method: in vitro. Allele origin: not applicable. Functional consequence: retained intron. Not counted in ClinVar's aggregate classification.

Dr. Peter K. Rogan Lab, Western University
No classification provided (evidence only). Condition: Thyroid cancer, nonmedullary, 1. Review status: no classification provided. Collection method: in vitro. Allele origin: not applicable. Functional consequence: retained intron. Not counted in ClinVar's aggregate classification.

Dr. Peter K. Rogan Lab, Western University
No classification provided (evidence only). Condition: Uterine corpus endometrial carcinoma. Review status: no classification provided. Collection method: in vitro. Allele origin: not applicable. Functional consequence: retained intron. Not counted in ClinVar's aggregate classification.

Dr. Peter K. Rogan Lab, Western University
No classification provided (evidence only). Condition: Cervical cancer. Review status: no classification provided. Collection method: in vitro. Allele origin: not applicable. Functional consequence: retained intron. Not counted in ClinVar's aggregate classification.

Dr. Peter K. Rogan Lab, Western University
No classification provided (evidence only). Condition: Cervical cancer. Review status: no classification provided. Collection method: in vitro. Allele origin: not applicable. Functional consequence: retained intron. Not counted in ClinVar's aggregate classification.

Dr. Peter K. Rogan Lab, Western University
No classification provided (evidence only). Condition: Cervical cancer. Review status: no classification provided. Collection method: in vitro. Allele origin: not applicable. Functional consequence: retained intron. Not counted in ClinVar's aggregate classification.

Dr. Peter K. Rogan Lab, Western University
No classification provided (evidence only). Condition: Sarcoma. Review status: no classification provided. Collection method: in vitro. Allele origin: not applicable. Functional consequence: retained intron. Not counted in ClinVar's aggregate classification.

Dr. Peter K. Rogan Lab, Western University
No classification provided (evidence only). Condition: Sarcoma. Review status: no classification provided. Collection method: in vitro. Allele origin: not applicable. Functional consequence: retained intron. Not counted in ClinVar's aggregate classification.

Dr. Peter K. Rogan Lab, Western University
No classification provided (evidence only). Condition: Sarcoma. Review status: no classification provided. Collection method: in vitro. Allele origin: not applicable. Functional consequence: retained intron. Not counted in ClinVar's aggregate classification.

Dr. Peter K. Rogan Lab, Western University
No classification provided (evidence only). Condition: Hepatocellular carcinoma. Review status: no classification provided. Collection method: in vitro. Allele origin: not applicable. Functional consequence: retained intron. Not counted in ClinVar's aggregate classification.

Dr. Peter K. Rogan Lab, Western University
No classification provided (evidence only). Condition: Thymoma. Review status: no classification provided. Collection method: in vitro. Allele origin: not applicable. Functional consequence: retained intron. Not counted in ClinVar's aggregate classification.

Dr. Peter K. Rogan Lab, Western University
No classification provided (evidence only). Condition: Ovarian serous cystadenocarcinoma. Review status: no classification provided. Collection method: in vitro. Allele origin: not applicable. Functional consequence: retained intron. Not counted in ClinVar's aggregate classification.

Dr. Peter K. Rogan Lab, Western University
No classification provided (evidence only). Condition: Ovarian serous cystadenocarcinoma. Review status: no classification provided. Collection method: in vitro. Allele origin: not applicable. Functional consequence: retained intron. Not counted in ClinVar's aggregate classification.

Dr. Peter K. Rogan Lab, Western University
No classification provided (evidence only). Condition: Gastric cancer. Review status: no classification provided. Collection method: in vitro. Allele origin: not applicable. Functional consequence: retained intron. Not counted in ClinVar's aggregate classification.

Dr. Peter K. Rogan Lab, Western University
No classification provided (evidence only). Condition: Uterine carcinosarcoma. Review status: no classification provided. Collection method: in vitro. Allele origin: not applicable. Functional consequence: retained intron. Not counted in ClinVar's aggregate classification.

Dr. Peter K. Rogan Lab, Western University
No classification provided (evidence only). Condition: Malignant tumor of esophagus. Review status: no classification provided. Collection method: in vitro. Allele origin: not applicable. Functional consequence: retained intron. Not counted in ClinVar's aggregate classification.

NM_001206641.3(COA6):c.212+162G>A

Gene: COA6 (cytochrome c oxidase assembly factor 6; plus strand). Cytogenetic location: 1q42.2.
Variant type: single nucleotide variant.
Coding change: c.212+162G>A on transcript NM_001206641.3 (MANE Select); 162 bases into the intron after coding-DNA position 212, G replaced by A.
Molecular consequence: intron variant. On other transcripts: missense variant (1), 5 prime UTR variant (1).
Genome position (GRCh38, 1-based): chr1:234,373,840, G>A. VCF-style: chr1-234373840-G-A. GRCh37 (hg19) VCF-style: chr1-234509586-G-A.
Other names: c.122G>A, p.Ser41Asn (NM_001012985.2); c.-406G>A (NM_001301733.1); short protein forms S41N.
Identifiers: ClinVar variation 506397 (VCV000506397.13), dbSNP rs113627094, ClinGen allele CA1460011.